The following is an entry in ClinVar:

NM_000274.4(OAT):c.1187G>T (p.Arg396Leu)

Gene: OAT (ornithine aminotransferase; minus strand). Cytogenetic location: 10q26.13.
Variant type: single nucleotide variant.
Coding change: c.1187G>T on transcript NM_000274.4 (MANE Select); coding-DNA position 1187, G replaced by T.
Protein change: p.Arg396Leu; replaces arginine 396 with leucine.
Molecular consequence: missense variant.
Genome position (GRCh38, 1-based): chr10:124,398,075, C>A on the plus strand (G>T on the coding strand, the complement: OAT is on the minus strand). VCF-style: chr10-124398075-C-A. GRCh37 (hg19) VCF-style: chr10-126086644-C-A.
Other names: c.773G>T, p.Arg258Leu (NM_001171814.2); c.1187G>T, p.Arg396Leu (NM_001322965.2, NM_001322966.2, NM_001322967.2 and 3 more transcripts); c.866G>T, p.Arg289Leu (NM_001322971.2); c.587G>T, p.Arg196Leu (NM_001322974.2); short protein forms R289L, R396L, R196L, R258L.
Identifiers: ClinVar variation 2095490 (VCV002095490.1), dbSNP rs776819570, ClinGen allele CA378633223.

ClinVar aggregate classification (germline): Uncertain significance (1 of 4 stars; one submission).

Conditions:
Ornithine aminotransferase deficiency (GACR). Also called: Ornithine ketoacid aminotransferase deficiency; Gyrate atrophy; Gyrate atrophy of choroid and retina; Girate atrophy of the retina; HYPERORNITHINEMIA WITH GYRATE ATROPHY OF CHOROID AND RETINA; OAT DEFICIENCY. Identifiers: Orphanet 414, MedGen C0018425, MONDO:0009796, OMIM 258870.

gnomAD v4.1: 9 of 1,614,036 alleles (0.00056%); highest among the groups gnomAD compares: Non-Finnish European, 0.00076%; no homozygotes.

Submission:

Labcorp Genetics (formerly Invitae), Labcorp
Classification: Uncertain significance for Ornithine aminotransferase deficiency. Last evaluated: 2022-08-01. Review status: criteria provided, single submitter. Criteria: Invitae Variant Classification Sherloc (09022015). Collection method: clinical testing. Allele origin: germline.
Comment: This sequence change replaces arginine, which is basic and polar, with leucine, which is neutral and non-polar, at codon 396 of the OAT protein (p.Arg396Leu). This variant is present in population databases (no rsID available, gnomAD 0.0009%). This variant has not been reported in the literature in individuals affected with OAT-related conditions. Algorithms developed to predict the effect of missense changes on protein structure and function are either unavailable or do not agree on the potential impact of this missense change (SIFT: "Tolerated"; PolyPhen-2: "Possibly Damaging"; Align-GVGD: "Class C0"). In summary, the available evidence is currently insufficient to determine the role of this variant in disease. Therefore, it has been classified as a Variant of Uncertain Significance.